The following is an entry in ClinVar:

NM_001267550.2(TTN):c.86290_86302del (p.Ile28765fs)

Genes: TTN (titin; minus strand), TTN-AS1 (TTN antisense RNA 1; plus strand). Cytogenetic location: 2q31.2.
Variant type: Deletion.
Coding change: c.86290_86302del on transcript NM_001267550.2 (MANE Select); coding-DNA positions 86290 to 86302, 13 bases deleted (TTGATTGTCAAGG).
Protein change: p.Ile28765fs; shifts the reading frame from isoleucine 28765.
Molecular consequence: frameshift variant.
Genome position (GRCh38, 1-based): chr2:178,559,830-178,559,842, CCTTGACAATCAA deleted on the plus strand (TTGATTGTCAAGG on the coding strand, the reverse complement: TTN is on the minus strand). VCF-style (leftmost placement, unchanged base first): chr2-178559829-GCCTTGACAATCAA-G. GRCh37 (hg19) VCF-style: chr2-179424556-GCCTTGACAATCAA-G.
Other names: c.59470_59482del, p.Ile19825fs (NM_133432.3); c.59671_59683del, p.Ile19892fs (NM_133437.4); c.81367_81379del, p.Ile27124fs (NM_001256850.1); c.59095_59107del, p.Ile19700fs (NM_003319.4); c.78586_78598del, p.Ile26197fs (NM_133378.4); short protein forms I19700fs, I19825fs, I19892fs, I26197fs, I27124fs, I28765fs.
Identifiers: ClinVar variation 1068134 (VCV001068134.11), dbSNP rs2154158200, ClinGen allele CA2499215336.

ClinVar aggregate classification (germline): Likely pathogenic (1 of 4 stars; one submission).

Conditions:
Dilated cardiomyopathy 1G (CMD1G). Identifiers: Orphanet 154, MedGen C1858763, MONDO:0011400, OMIM 604145.
Autosomal recessive limb-girdle muscular dystrophy type 2J (LGMDR10). Also called: Limb-girdle muscular dystrophy, type 2J; MUSCULAR DYSTROPHY, LIMB-GIRDLE, AUTOSOMAL RECESSIVE 10. Identifiers: Orphanet 140922, MedGen C1837342, MONDO:0012127, OMIM 608807.

Submission:

Labcorp Genetics (formerly Invitae), Labcorp
Classification: Likely pathogenic for Dilated cardiomyopathy 1G; Autosomal recessive limb-girdle muscular dystrophy type 2J. Last evaluated: 2016-08-25. Review status: criteria provided, single submitter. Criteria: Invitae Variant Classification Sherloc (09022015). Collection method: clinical testing. Allele origin: germline.
Comment: For these reasons, this variant has been classified as Likely Pathogenic. This variant is found in the A-band of this gene. While this particular variant has not been reported in the literature, truncating variants in the A-band of TTN are significantly overrepresented in patients with dilated cardiomyopathy and are considered to be likely pathogenic for the disease (PMID: 25589632). This sequence change deletes 13 nucleotides from exon 326 of the TTN mRNA (c.86290_86302delTTGATTGTCAAGG), causing a frameshift at codon 28765. This creates a premature translational stop signal (p.Ile28765Valfs*6) and is expected to result in an absent or disrupted protein product.

Literature cited by the submitters: PubMed 25589632.